The following is an entry in ClinVar:

ClinVar aggregate classification (germline): Benign/Likely benign. Review status: criteria provided, multiple submitters, no conflicts (2 of 4 stars). 14 submissions from 13 submitters: Benign (3); Likely benign (7). 4 of the submissions do not count toward it. Last evaluated 2026-05-21.

Conditions:
Hereditary nonpolyposis colon cancer (HNPCC). Also called: Hereditary Nonpolyposis Colorectal Cancer Syndrome; Hereditary nonpolyposis colorectal cancer; Familial nonpolyposis colon cancer. Identifiers: Orphanet 443909, MedGen C1333990, MONDO:0018630. Disease mechanism: loss of function.
MSH6-related disorder. Also called: MSH6-related condition; MSH6-Related disorders.
Hereditary nonpolyposis colorectal neoplasms. Identifiers: MedGen C0009405, MeSH D003123.
Hereditary cancer-predisposing syndrome. Also called: Hereditary Cancer Syndrome; Tumor predisposition; Neoplastic Syndromes, Hereditary; Hereditary neoplastic syndrome. Identifiers: Orphanet 140162, MedGen C0027672, MeSH D009386, MONDO:0015356.
Lynch syndrome. Identifiers: Orphanet 144, MedGen C4552100, MONDO:0005835. Disease mechanism: loss of function.
Lynch syndrome 5 (LYNCH5). Also called: Hereditary non-polyposis colorectal cancer, type 5; Colorectal cancer, hereditary nonpolyposis, type 5. Identifiers: Orphanet 144, MedGen C1833477, MONDO:0013710, OMIM 614350. Disease mechanism: loss of function.

Allele frequency attached by ClinVar (database versions not stated): TOPMed 0.00010; gnomAD 0.00019 and 0.00021; gnomAD exomes 0.00021; ExAC 0.00026; ESP Exome Variant Server 0.00056.

Submissions (14):

PreventionGenetics, part of Exact Sciences
Classification: Likely benign for MSH6-related condition. Last evaluated: 2026-05-21. Review status: criteria provided, single submitter. Criteria: ACMG Guidelines, 2015. Collection method: clinical testing. Allele origin: germline.
Comment: This variant is classified as likely benign based on ACMG/AMP sequence variant interpretation guidelines (Richards et al. 2015 PMID: 25741868, with internal and published modifications).

Labcorp Genetics (formerly Invitae), Labcorp
Classification: Likely benign for Hereditary nonpolyposis colorectal neoplasms. Last evaluated: 2026-02-03. Review status: criteria provided, single submitter. Criteria: Invitae Variant Classification Sherloc (09022015). Collection method: clinical testing. Allele origin: germline.

Center for Genomic Medicine, Rigshospitalet, Copenhagen University Hospital
Classification: Likely benign. Last evaluated: 2025-03-04. Review status: criteria provided, single submitter. Criteria: ACMG Guidelines, 2015. Collection method: clinical testing. Allele origin: germline.

CeGaT Center for Human Genetics Tuebingen
Classification: Likely benign. Last evaluated: 2025-03-01. Review status: criteria provided, single submitter. Criteria: CeGaT Center For Human Genetics Tuebingen Variant Classification Criteria Version 2. Collection method: clinical testing. Allele origin: germline. Affected: yes. Observed: 2 variant alleles.
Comment: MSH6: BP4, BS1

Blueprint Genetics
Classification: Likely benign. Last evaluated: 2024-10-07. Review status: criteria provided, single submitter. Criteria: ACMG Guidelines, 2015. Collection method: clinical testing. Allele origin: germline.

Mendelics
Classification: Benign for Hereditary nonpolyposis colon cancer. Last evaluated: 2023-08-22. Review status: criteria provided, single submitter. Criteria: Mendelics Assertion Criteria 2019. Collection method: clinical testing. Allele origin: germline.

Women's Health and Genetics/Laboratory Corporation of America, LabCorp
Classification: Benign. Last evaluated: 2016-12-01. Review status: criteria provided, single submitter. Criteria: LabCorp Variant Classification Summary - May 2015. Collection method: clinical testing. Allele origin: germline.
Comment: Variant summary: The MSH6 c.4001+11_4001+15dupAACTA variant results into duplication of five non-conserved nucleotides in intron 9 at a region not widely known to involve in splicing. Mutation taster predicts a benign outcome for this variant. In addition, 5/5 splice prediction tools predict no significant impact on normal splicing. This variant was found in 29/111750 control chromosomes from ExAC at a frequency of 0.0002595, which is approximately 2 times the estimated maximal expected allele frequency of a pathogenic MSH6 variant (0.0001421), suggesting this variant is likely a benign polymorphism. In addition, multiple clinical diagnostic laboratories have classified this variant as likely benign/benign. The variant of interest has not, to our knowledge, been reported in affected individuals in literature. Taken together, this variant is classified as Benign.

Color Diagnostics, LLC DBA Color Health
Classification: Likely benign for Hereditary cancer-predisposing syndrome. Last evaluated: 2016-02-25. Review status: criteria provided, single submitter. Criteria: ACMG Guidelines, 2015. Collection method: clinical testing. Allele origin: germline.

GeneDx
Classification: Benign. Last evaluated: 2015-03-03. Review status: criteria provided, single submitter. Criteria: GeneDx Variant Classification Process June 2021. Collection method: clinical testing. Allele origin: germline. Affected: yes.

Ambry Genetics
Classification: Likely benign for Hereditary cancer-predisposing syndrome. Last evaluated: 2014-11-06. Review status: criteria provided, single submitter. Criteria: Ambry Variant Classification Scheme 2023. Collection method: clinical testing. Allele origin: germline.

Institute for Biomarker Research, Medical Diagnostic Laboratories, L.L.C.
Classification: Likely benign for Hereditary cancer-predisposing syndrome. Last evaluated: 2021-12-21. Review status: no assertion criteria provided. Collection method: clinical testing. Allele origin: germline. Not counted in ClinVar's aggregate classification.

Counsyl
Classification: Likely benign for Lynch syndrome 5. Last evaluated: 2018-02-02. Review status: no assertion criteria provided. Collection method: clinical testing. Allele origin: unknown. Not counted in ClinVar's aggregate classification.

Department of Pathology and Laboratory Medicine, Sinai Health System
Classification: Likely benign for Lynch syndrome. Review status: no assertion criteria provided. Collection method: clinical testing. Allele origin: unknown. Affected: yes. Observed: 2 variant alleles. Study: The Canadian Open Genetics Repository (COGR). Not counted in ClinVar's aggregate classification.
Comment: The MSH6 c.4001+11_4001+15dup variant was not identified in the literature nor was it identified in the UMD-LSDB database. The variant was identified in dbSNP (ID: rs730882138) as "With Likely benign, other allele" and ClinVar (classified as likely benign by Invitae, Counsyl and two other submitters). The variant was identified in control databases in 70 of 269486 chromosomes at a frequency of 0.0003, increasing the likelihood this could be a low frequency benign variant (Genome Aggregation Database Feb 27, 2017). The variant was observed in the following populations: South Asian in 23 of 30492 chromosomes (freq: 0.0008), European in 41 of 123358 chromosomes (freq: 0.0003), East Asian in 3 of 18612 chromosomes (freq: 0.0002), and Finnish in 3 of 23088 chromosomes (freq: 0.0001), while the variant was not observed in the African, Ashkenazi Jewish, Latino, or Other populations. The variant occurs outside of the splicing consensus sequence and in silico or computational prediction software programs (SpliceSiteFinder, MaxEntScan, NNSPLICE, GeneSplicer) do not predict a difference in splicing. In summary, based on the above information, the clinical significance of this variant cannot be determined with certainty at this time although we would lean towards a more benign role for this variant. This variant is classified as likely benign.

GeneDx
Classification: Benign for Neoplastic Syndromes, Hereditary. Last evaluated: 2014-10-01. Review status: flagged submission. Criteria: GeneDx Variant Classification (06012015). Collection method: clinical testing. Allele origin: germline. Affected: yes. Not counted in ClinVar's aggregate classification.
Comment: The variant is found in BR-OV-HEREDIC,HEREDICANCER panel(s).
ClinVar note: Reason: This record appears to be redundant with a more recent record from the same submitter.
ClinVar note: Notes: SCV000211369 appears to be redundant with SCV001861252.

NM_000179.3(MSH6):c.4001+11_4001+15dup

Gene: MSH6 (mutS homolog 6; plus strand). Cytogenetic location: 2p16.3.
Variant type: Duplication.
Coding change: c.4001+11_4001+15dup on transcript NM_000179.3 (MANE Select); bases 11 to 15 of the intron after coding-DNA position 4001, 5 bases duplicated (AACTA; older notation c.4001+11_4001+15dupAACTA).
Molecular consequence: intron variant.
Genome position (GRCh38, 1-based): chr2:47,806,662-47,806,666, AACTA duplicated. VCF-style (leftmost placement, unchanged base first): chr2-47806661-T-TAACTA. GRCh37 (hg19) VCF-style: chr2-48033800-T-TAACTA.
Other names: c.4001+11_4001+15dupAACTA (NM_000179.3, NM_000179.2); c.3095+11_3095+15dup (NM_001281493.2, NM_001281494.2); c.3611+11_3611+15dup (NM_001281492.2).
Identifiers: ClinVar variation 89499 (VCV000089499.40), dbSNP rs587779302, ClinGen allele CA015122.